The following is an entry in ClinVar:

NM_004006.3(DMD):c.265-1G>A

Gene: DMD (dystrophin; minus strand). Cytogenetic location: Xp21.1.
Variant type: single nucleotide variant.
Coding change: c.265-1G>A on transcript NM_004006.3 (MANE Select); the canonical splice acceptor site of the intron before coding-DNA position 265, G replaced by A.
Molecular consequence: splice acceptor variant.
Genome position (GRCh38, 1-based): chrX:32,823,388, C>T on the plus strand (G>A on the coding strand, the complement: DMD is on the minus strand). VCF-style: chrX-32823388-C-T. GRCh37 (hg19) VCF-style: chrX-32841505-C-T.
Other names: c.241-1G>A (NM_000109.4); c.253-1G>A (NM_004009.3); c.-105-1G>A (NM_004010.3).
Identifiers: ClinVar variation 1299654 (VCV001299654.4), dbSNP rs2148850769, ClinGen allele CA412674616.
Genomic context (GRCh38, chrX:32,823,388, plus strand): 5'-AAGAGTCAGTTTATGATTTCCATCTACGATGTCAGTACTTCCAATATTCACTAAATCAAC[C>T]TGTTAAAGAAAGGGGTAAAACATTTGAAGGTAAGAGACCAAATGCCTAGTTGCAATAATA-3'

ClinVar aggregate classification (germline): Pathogenic. Review status: criteria provided, multiple submitters, no conflicts (2 of 4 stars). 3 submissions from 3 submitters: Pathogenic (3). Last evaluated 2026-05-19.

Conditions:
Neuromuscular disease caused by qualitative or quantitative defects of dystrophin. Also called: Qualitative or quantitative defects of dystrophin. Identifiers: Orphanet 207085, MedGen C5679787, MONDO:0016147.
Duchenne muscular dystrophy (DMD). Also called: MUSCULAR DYSTROPHY, PSEUDOHYPERTROPHIC PROGRESSIVE, DUCHENNE TYPE; Duchenne Muscular Dystrophy (DMD). Identifiers: Orphanet 98896, MedGen C0013264, MONDO:0010679, OMIM 310200.

Submissions (3):

Women's Health and Genetics/Laboratory Corporation of America, LabCorp
Classification: Pathogenic for Neuromuscular disease caused by qualitative or quantitative defects of dystrophin. Last evaluated: 2026-05-19. Review status: criteria provided, single submitter. Criteria: LabCorp Variant Classification Summary - May 2015. Collection method: clinical testing. Allele origin: germline.
Comment: Variant summary: DMD c.265-1G>A is located in a canonical splice-site and is predicted to affect mRNA splicing, resulting in a significantly altered protein due to either exon skipping, shortening, or inclusion of intronic material. Variants that disrupt the consensus splice site are a relatively common cause of aberrant splicing and loss of DMD function. Several computational tools predict a significant impact on normal splicing: Four predict that the variant abolishes a 3' acceptor site. At least one publication reports experimental evidence that this variant affects mRNA splicing (Juan_2013). The variant was absent in 182967 control chromosomes. c.265-1G>A has been observed in individuals affected with DMD-related conditions (Juan_2013, Marinakis_2021, Zhao_2024). These data indicate that the variant may be associated with disease. The following publications have been ascertained in the context of this evaluation (PMID: 23536893, 34008892, 39182149). ClinVar contains an entry for this variant (Variation ID: 1299654). Based on the evidence outlined above, the variant was classified as pathogenic.

Labcorp Genetics (formerly Invitae), Labcorp
Classification: Pathogenic for Duchenne muscular dystrophy. Last evaluated: 2025-01-14. Review status: criteria provided, single submitter. Criteria: Invitae Variant Classification Sherloc (09022015). Collection method: clinical testing. Allele origin: germline.
Comment: This sequence change affects an acceptor splice site in intron 4 of the DMD gene. RNA analysis indicates that disruption of this splice site induces altered splicing and may result in an absent or altered protein product. This variant is not present in population databases (gnomAD no frequency). Disruption of this splice site has been observed in individual(s) with clinical features of dystrophinopathy (PMID: 23536893, 34008892). ClinVar contains an entry for this variant (Variation ID: 1299654). Studies have shown that disruption of this splice site results in skipping of exon 5 and activation of a cryptic splice site, and produces a non-functional protein and/or introduces a premature termination codon (PMID: 23536893). For these reasons, this variant has been classified as Pathogenic.

Laboratory of Medical Genetics, National & Kapodistrian University of Athens
Classification: Pathogenic for Duchenne muscular dystrophy. Last evaluated: 2021-10-01. Review status: criteria provided, single submitter. Criteria: ACMG Guidelines, 2015. Collection method: clinical testing. Allele origin: unknown. Affected: yes.
Comment: PVS1, PM2, PP3

Literature cited by the submitters: PubMed 34008892 (cited by 3 submitters); PubMed 23536893 (cited by Women's Health and Genetics/Laboratory Corporation of America, LabCorp and Labcorp Genetics (formerly Invitae), Labcorp); PubMed 39182149 (cited by Women's Health and Genetics/Laboratory Corporation of America, LabCorp).